The following is an entry in ClinVar:

ClinVar aggregate classification (germline): Conflicting classifications of pathogenicity. Review status: criteria provided, conflicting classifications (1 of 4 stars). 2 submissions from 2 submitters: Uncertain significance (1); Likely benign (1). Last evaluated 2024-02-23.

Conditions:
Skeletal overgrowth-craniofacial dysmorphism-hyperelastic skin-white matter lesions syndrome. Also called: SKELETAL OVERGROWTH WITH FACIAL DYSMORPHISM, HYPERELASTIC SKIN, WHITE MATTER LESIONS, AND NEUROLOGIC DETERIORATION; Kosaki overgrowth syndrome. Identifiers: Orphanet 477831, MedGen C4225270, MONDO:0014704, OMIM 616592.
Infantile myofibromatosis (IMF). Also called: Congenital generalized fibromatosis. Identifiers: Orphanet 2591, MedGen C0432284, MONDO:0016824.
Basal ganglia calcification, idiopathic, 4 (PFBC4). Also called: Familial Idiopathic Basal Ganglia Calcification 4; PRIMARY FAMILIAL BRAIN CALCIFICATION 4, AUTOSOMAL DOMINANT. Identifiers: Orphanet 1980, MedGen C3554321, MONDO:0014004, OMIM 615007.
Acroosteolysis-keloid-like lesions-premature aging syndrome. Also called: Progeroid syndrome, Penttinen type; Premature aging syndrome, Penttinen type; Prematurely aged appearance, delayed bone maturation, acro-osteolysis, and brachydactyly. Identifiers: Orphanet 363665, MedGen C1866182, MONDO:0011150, OMIM 601812.
Inborn genetic diseases. Identifiers: MedGen C0950123, MeSH D030342.

Allele frequency attached by ClinVar (database versions not stated): gnomAD 0.00001; ExAC 0.00001.
gnomAD v4.1: 12 of 1,580,756 alleles (0.00076%); highest among the groups gnomAD compares: Admixed American, 0.0033%; no homozygotes.

Submissions (2):

Labcorp Genetics (formerly Invitae), Labcorp
Classification: Likely benign for Basal ganglia calcification, idiopathic, 4; Skeletal overgrowth-craniofacial dysmorphism-hyperelastic skin-white matter lesions syndrome; Infantile myofibromatosis; Acroosteolysis-keloid-like lesions-premature aging syndrome. Last evaluated: 2024-02-23. Review status: criteria provided, single submitter. Criteria: Invitae Variant Classification Sherloc (09022015). Collection method: clinical testing. Allele origin: germline.

Ambry Genetics
Classification: Uncertain significance for Inborn genetic diseases. Last evaluated: 2020-12-28. Review status: criteria provided, single submitter. Criteria: Ambry Variant Classification Scheme 2023. Collection method: clinical testing. Allele origin: germline.
Comment: The c.2791G>A (p.D931N) alteration is located in exon 20 (coding exon 19) of the PDGFRB gene. This alteration results from a G to A substitution at nucleotide position 2791, causing the aspartic acid (D) at amino acid position 931 to be replaced by an asparagine (N). The p.D931N alteration is predicted to be tolerated by in silico analysis. Based on insufficient or conflicting evidence, the clinical significance of this alteration remains unclear.

NM_002609.4(PDGFRB):c.2791G>A (p.Asp931Asn)

Gene: PDGFRB (platelet derived growth factor receptor beta; minus strand). Cytogenetic location: 5q32.
Variant type: single nucleotide variant.
Coding change: c.2791G>A on transcript NM_002609.4 (MANE Select); coding-DNA position 2791, G replaced by A.
Protein change: p.Asp931Asn; replaces aspartic acid 931 with asparagine.
Molecular consequence: missense variant.
Genome position (GRCh38, 1-based): chr5:150,119,474, C>T on the plus strand (G>A on the coding strand, the complement: PDGFRB is on the minus strand). VCF-style: chr5-150119474-C-T. GRCh37 (hg19) VCF-style: chr5-149499037-C-T.
Other names: c.2599G>A, p.Asp867Asn (NM_001355016.2); c.2308G>A, p.Asp770Asn (NM_001355017.2); c.2791G>A (NM_002609.3); short protein forms D770N, D867N, D931N.
Identifiers: ClinVar variation 2228308 (VCV002228308.10), dbSNP rs759258072, ClinGen allele CA3507529.